The following is an entry in ClinVar:

NM_001927.4(DES):c.1208C>A (p.Ala403Asp)

Gene: DES (desmin; plus strand). Cytogenetic location: 2q35.
Variant type: single nucleotide variant.
Coding change: c.1208C>A on transcript NM_001927.4 (MANE Select); coding-DNA position 1208, C replaced by A.
Protein change: p.Ala403Asp; replaces alanine 403 with aspartic acid.
Molecular consequence: missense variant.
Genome position (GRCh38, 1-based): chr2:219,421,524, C>A. VCF-style: chr2-219421524-C-A. GRCh37 (hg19) VCF-style: chr2-220286246-C-A.
Other names: c.776C>A, p.Ala259Asp (NM_001382709.1); c.1139C>A, p.Ala380Asp (NM_001382710.1); c.1187C>A, p.Ala396Asp (NM_001382711.1); c.1205C>A, p.Ala402Asp (NM_001382708.1); c.1208C>A, p.Ala403Asp (NM_001382712.1); c.938C>A, p.Ala313Asp (NM_001382713.1); short protein forms A396D, A313D, A380D, A402D, A403D, A259D.
Identifiers: ClinVar variation 2102249 (VCV002102249.4), dbSNP rs2545255412, ClinGen allele CA350694984.

ClinVar aggregate classification (germline): Uncertain significance (1 of 4 stars; one submission).

Conditions:
Desmin-related myofibrillar myopathy (MFM1). Also called: Desminopathy; Desmin related myopathy (former name); Desmin storage myopathy (former name); DESMIN-RELATED MYOPATHY WITH ARRHYTHMOGENIC RIGHT VENTRICULAR CARDIOMYOPATHY; MYOFIBRILLAR MYOPATHY WITH ARRHYTHMOGENIC RIGHT VENTRICULAR CARDIOMYOPATHY; Myofibrillar myopathy 1. Identifiers: Orphanet 363543, Orphanet 98909, MedGen C1832370, MONDO:0011076, OMIM 601419.

Submission:

Labcorp Genetics (formerly Invitae), Labcorp
Classification: Uncertain significance for Desmin-related myofibrillar myopathy. Last evaluated: 2026-01-28. Review status: criteria provided, single submitter. Criteria: Invitae Variant Classification Sherloc (09022015). Collection method: clinical testing. Allele origin: germline.
Comment: This sequence change replaces alanine, which is neutral and non-polar, with aspartic acid, which is acidic and polar, at codon 403 of the DES protein (p.Ala403Asp). This variant is not present in population databases (gnomAD no frequency). This variant has not been reported in the literature in individuals affected with DES-related conditions. ClinVar contains an entry for this variant (Variation ID: 2102249). Invitae Evidence Modeling of protein sequence and biophysical properties (such as structural, functional, and spatial information, amino acid conservation, physicochemical variation, residue mobility, and thermodynamic stability) indicates that this missense variant is expected to disrupt DES protein function with a positive predictive value of 95%. In summary, the available evidence is currently insufficient to determine the role of this variant in disease. Therefore, it has been classified as a Variant of Uncertain Significance.